The following is an entry in ClinVar:

NM_003073.5(SMARCB1):c.957G>A (p.Leu319=)

Gene: SMARCB1 (SWI/SNF related BAF chromatin remodeling complex subunit B1; plus strand). Cytogenetic location: 22q11.23.
Variant type: single nucleotide variant.
Coding change: c.957G>A on transcript NM_003073.5 (MANE Select); coding-DNA position 957, G replaced by A.
Protein change: p.Leu319=; no amino-acid change (leucine 319 retained).
Molecular consequence: synonymous variant.
Genome position (GRCh38, 1-based): chr22:23,825,386, G>A. VCF-style: chr22-23825386-G-A. GRCh37 (hg19) VCF-style: chr22-24167573-G-A.
Other names: c.930G>A, p.Leu310= (NM_001007468.3); c.984G>A, p.Leu328= (NM_001317946.2); c.1011G>A, p.Leu337= (NM_001362877.2); c.957G>A (NM_003073.4).
Identifiers: ClinVar variation 1767450 (VCV001767450.7), dbSNP rs1689930061, ClinGen allele CA513739035.

ClinVar aggregate classification (germline): Likely benign. Review status: criteria provided, multiple submitters, no conflicts (2 of 4 stars). 3 submissions from 3 submitters: Likely benign (2). 1 of the submissions does not count toward it. Last evaluated 2025-10-31.

Conditions:
SMARCB1-related disorder. Also called: SMARCB1-related condition; SMARCB1-related disorders.
Hereditary cancer-predisposing syndrome. Also called: Hereditary neoplastic syndrome; Neoplastic Syndromes, Hereditary; Tumor predisposition; Hereditary Cancer Syndrome. Identifiers: Orphanet 140162, MedGen C0027672, MeSH D009386, MONDO:0015356.

Allele frequency attached by ClinVar (database versions not stated): TOPMed below 0.00001; gnomAD 0.00001; gnomAD exomes 0.00001.
gnomAD v4.1: 10 of 1,614,046 alleles (0.00062%); highest among the groups gnomAD compares: South Asian, 0.0099%; no homozygotes.

Submissions (3):

Labcorp Genetics (formerly Invitae), Labcorp
Classification: Likely benign. Last evaluated: 2025-10-31. Review status: criteria provided, single submitter. Criteria: Invitae Variant Classification Sherloc (09022015). Collection method: clinical testing. Allele origin: germline.

Ambry Genetics
Classification: Likely benign for Hereditary cancer-predisposing syndrome. Last evaluated: 2021-05-11. Review status: criteria provided, single submitter. Criteria: Ambry Variant Classification Scheme 2023. Collection method: clinical testing. Allele origin: germline.

PreventionGenetics, part of Exact Sciences
Classification: Likely benign for SMARCB1-related condition. Last evaluated: 2023-03-10. Review status: no assertion criteria provided. Collection method: clinical testing. Allele origin: germline. Not counted in ClinVar's aggregate classification.
Comment: This variant is classified as likely benign based on ACMG/AMP sequence variant interpretation guidelines (Richards et al. 2015 PMID: 25741868, with internal and published modifications).